The following is an entry in ClinVar:

ClinVar aggregate classification (germline): Benign. Review status: criteria provided, multiple submitters, no conflicts (2 of 4 stars). 8 submissions from 8 submitters: Benign (6). 2 of the submissions do not count toward it. Last evaluated 2026-02-04.

Conditions:
Weill-Marchesani 4 syndrome, recessive. Also called: Weill-Marchesani syndrome 4. Identifiers: Orphanet 363992, MedGen C2750787, MONDO:0013176, OMIM 613195.

Allele frequency attached by ClinVar (database versions not stated): gnomAD exomes 0.24331 and 0.30533; ESP Exome Variant Server 0.29317; ExAC 0.29863; gnomAD 0.30715 and 0.30821; TOPMed 0.32988; 1000 Genomes Project 0.37360; 1000 Genomes Project 30x 0.37508.
gnomAD v4.1: 403,800 of 1,613,822 alleles (25%); highest among the groups gnomAD compares: East Asian, 50%; 56,149 homozygotes.

Submissions (8):

Labcorp Genetics (formerly Invitae), Labcorp
Classification: Benign. Last evaluated: 2026-02-04. Review status: criteria provided, single submitter. Criteria: Invitae Variant Classification Sherloc (09022015). Collection method: clinical testing. Allele origin: germline.

Blueprint Genetics
Classification: Benign. Last evaluated: 2024-11-27. Review status: criteria provided, single submitter. Criteria: ACMG Guidelines, 2015. Collection method: clinical testing. Allele origin: germline.

Mayo Clinic Laboratories, Mayo Clinic
Classification: Benign. Last evaluated: 2022-04-26. Review status: criteria provided, single submitter. Criteria: ACMG Guidelines, 2015. Collection method: clinical testing. Allele origin: germline. Observed: 344 variant alleles.

GeneDx
Classification: Benign. Last evaluated: 2018-09-04. Review status: criteria provided, single submitter. Criteria: GeneDx Variant Classification Process June 2021. Collection method: clinical testing. Allele origin: germline. Affected: yes.

Illumina Laboratory Services, Illumina
Classification: Benign for Weill-Marchesani 4 syndrome, recessive. Last evaluated: 2018-01-12. Review status: criteria provided, single submitter. Criteria: ICSL Variant Classification Criteria 13 December 2019. Collection method: clinical testing. Allele origin: germline.
Comment: This variant was observed in the ICSL laboratory as part of a predisposition screen in an ostensibly healthy population. It had not been previously curated by ICSL or reported in the Human Gene Mutation Database (HGMD: prior to June 1st, 2018), and was therefore a candidate for classification through an automated scoring system. Utilizing variant allele frequency, disease prevalence and penetrance estimates, and inheritance mode, an automated score was calculated to assess if this variant is too frequent to cause the disease. Based on the score and internal cut-off values, a variant classified as benign is not then subjected to further curation. The score for this variant resulted in a classification of benign for this disease.

Breakthrough Genomics
Classification: Benign. Review status: criteria provided, single submitter. Criteria: ACMG Guidelines, 2015. Collection method: not provided. Allele origin: germline. Inheritance: Autosomal recessive inheritance. Affected: yes.

Diagnostic Laboratory, Department of Genetics, University Medical Center Groningen
Classification: Benign for Weill-Marchesani 4 syndrome, recessive. Review status: no assertion criteria provided. Collection method: clinical testing. Allele origin: germline. Affected: yes. Study: VKGL Data-share Consensus. Not counted in ClinVar's aggregate classification.

Genome Diagnostics Laboratory, Amsterdam University Medical Center
Classification: Benign. Review status: no assertion criteria provided. Collection method: clinical testing. Allele origin: germline. Affected: yes. Study: VKGL Data-share Consensus. Not counted in ClinVar's aggregate classification.

NM_139057.4(ADAMTS17):c.2591+6A>G

Gene: ADAMTS17 (ADAM metallopeptidase with thrombospondin type 1 motif 17; minus strand). Cytogenetic location: 15q26.3.
Variant type: single nucleotide variant.
Coding change: c.2591+6A>G on transcript NM_139057.4 (MANE Select); 6 bases into the intron after coding-DNA position 2591, A replaced by G.
Molecular consequence: intron variant.
Genome position (GRCh38, 1-based): chr15:100,048,851, T>C on the plus strand (A>G on the coding strand, the complement: ADAMTS17 is on the minus strand). VCF-style: chr15-100048851-T-C. GRCh37 (hg19) VCF-style: chr15-100589056-T-C.
Other names: p.?.
Identifiers: ClinVar variation 315265 (VCV000315265.18), dbSNP rs8028251, ClinGen allele CA7757677.